The following is an entry in ClinVar:

ClinVar aggregate classification (germline): Uncertain significance (1 of 4 stars; one submission).

gnomAD v4.1: 3 of 1,605,264 alleles (0.00019%); highest among the groups gnomAD compares: Non-Finnish European, 0.00017%; no homozygotes.

Submission:

Labcorp Genetics (formerly Invitae), Labcorp
Classification: Uncertain significance. Last evaluated: 2024-06-08. Review status: criteria provided, single submitter. Criteria: Invitae Variant Classification Sherloc (09022015). Collection method: clinical testing. Allele origin: germline.
Comment: This sequence change replaces alanine, which is neutral and non-polar, with proline, which is neutral and non-polar, at codon 158 of the LMBR1 protein (p.Ala158Pro). This variant is not present in population databases (gnomAD no frequency). This variant has not been reported in the literature in individuals affected with LMBR1-related conditions. Advanced modeling of protein sequence and biophysical properties (such as structural, functional, and spatial information, amino acid conservation, physicochemical variation, residue mobility, and thermodynamic stability) performed at Invitae indicates that this missense variant is not expected to disrupt LMBR1 protein function with a negative predictive value of 80%. In summary, the available evidence is currently insufficient to determine the role of this variant in disease. Therefore, it has been classified as a Variant of Uncertain Significance.

NM_022458.4(LMBR1):c.472G>C (p.Ala158Pro)

Gene: LMBR1 (limb development membrane protein 1; minus strand). Cytogenetic location: 7q36.3.
Variant type: single nucleotide variant.
Coding change: c.472G>C on transcript NM_022458.4 (MANE Select); coding-DNA position 472, G replaced by C.
Protein change: p.Ala158Pro; replaces alanine 158 with proline.
Molecular consequence: missense variant. On other transcripts: non-coding transcript variant (2).
Genome position (GRCh38, 1-based): chr7:156,763,747, C>G on the plus strand (G>C on the coding strand, the complement: LMBR1 is on the minus strand). VCF-style: chr7-156763747-C-G. GRCh37 (hg19) VCF-style: chr7-156556441-C-G.
Other names: c.472G>C, p.Ala158Pro (NM_001350953.2, NM_001363409.2, NM_001363410.2); c.193G>C, p.Ala65Pro (NM_001350954.2); c.16G>C, p.Ala6Pro (NM_001350955.2, NM_001350956.2, NM_001350958.2 and 1 more transcripts); c.103G>C, p.Ala35Pro (NM_001350957.2, NM_001363411.2); c.409G>C, p.Ala137Pro (NM_001363412.2); short protein forms A137P, A158P, A35P, A65P, A6P.
Identifiers: ClinVar variation 3612955 (VCV003612955.2).